The following continues an entry in ClinVar:

NM_000540.3(RYR1):c.1598G>A (p.Arg533His)

Gene: RYR1. ClinVar aggregate classification (germline): Uncertain significance. Uncertain significance (1).

Submissions 8 to 19 of 19:

All of Us Research Program, National Institutes of Health
Classification: Uncertain significance for Malignant hyperthermia, susceptibility to, 1. Last evaluated: 2024-07-20. Review status: criteria provided, single submitter. Criteria: ACMG Guidelines, 2015. Collection method: clinical testing. Allele origin: germline. Inheritance: Autosomal dominant inheritance. Observed: 37 variant alleles, 37 heterozygotes. Not counted in ClinVar's aggregate classification.
Comment: This missense variant replaces arginine with histidine at codon 533 of the RYR1 protein. Computational prediction suggests that this variant may have deleterious impact on protein structure and function. A functional study has shown cells expressing this variant have increased sensitivity to RYR1 agonists compared to cells expressing wild-type RYR1 (PMID: 23459219). A different variant occurring at the same codon, c.1597C>T (p.Arg533Cys), is a well-documented pathogenic variant (ClinVar Variation ID: 133102), indicating that Arg at this position may be important for RYR1 protein function. This p.Arg533His variant has been reported in at least two families affected with malignant hyperthermia susceptibility (PMID: 30236257). This variant occurs at an elevated frequency in the general population and has been identified in 32/282858 chromosomes in the general population by the Genome Aggregation Database (gnomAD). The available evidence is insufficient to determine the role of this variant in disease conclusively. Therefore, this variant is classified as a Variant of Uncertain Significance.

This study involves interpretation of variants in research participants for the purpose of population health screening. Participant phenotype was not available at the time of variant classification. Additional details can be found in publication PMID: 35346344, PMCID: PMC8962531

Blueprint Genetics
Classification: Uncertain significance. Last evaluated: 2024-06-24. Review status: criteria provided, single submitter. Criteria: ACMG Guidelines, 2015. Collection method: clinical testing. Allele origin: germline. Not counted in ClinVar's aggregate classification.

Color Diagnostics, LLC DBA Color Health
Classification: Uncertain significance for Malignant hyperthermia, susceptibility to, 1. Last evaluated: 2024-02-02. Review status: criteria provided, single submitter. Criteria: ACMG Guidelines, 2015. Collection method: clinical testing. Allele origin: germline. Not counted in ClinVar's aggregate classification.
Comment: This missense variant replaces arginine with histidine at codon 533 of the RYR1 protein. Computational prediction suggests that this variant may have deleterious impact on protein structure and function. A functional study has shown cells expressing this variant have increased sensitivity to RYR1 agonists compared to cells expressing wild-type RYR1 (PMID: 23459219). A different variant occurring at the same codon, c.1597C>T (p.Arg533Cys), is a well-documented pathogenic variant (ClinVar Variation ID: 133102), indicating that Arg at this position may be important for RYR1 protein function. This p.Arg533His variant has been reported in at least two families affected with malignant hyperthermia susceptibility (PMID: 30236257). This variant occurs at an elevated frequency in the general population and has been identified in 32/282858 chromosomes in the general population by the Genome Aggregation Database (gnomAD). The available evidence is insufficient to determine the role of this variant in disease conclusively. Therefore, this variant is classified as a Variant of Uncertain Significance.

PreventionGenetics, part of Exact Sciences
Classification: Uncertain significance for RYR1-related condition. Last evaluated: 2023-05-23. Review status: criteria provided, single submitter. Criteria: ACMG Guidelines, 2015. Collection method: clinical testing. Allele origin: germline. Not counted in ClinVar's aggregate classification.
Comment: The RYR1 c.1598G>A variant is predicted to result in the amino acid substitution p.Arg533His. This variant has been reported in several individuals who have had malignant hyperthermia (MH) events or are MH-susceptible via the in vitro muscle contracture test (Brandt et al. 1999. PubMed ID: 10484775; Robinson et al. 2006. PubMed ID: 16917943; Ibarra et al. 2006. PubMed ID: 16732084; Miller et al. 2018. PubMed ID: 30236257). A different substitution at the same amino acid (p.Arg533Cys) was reported to segregate with in vitro contracture test results in a large three generation family (Tammaro et al. 2003. PubMed ID: 12709367). The c.1598G>A (p.Arg533His) variant was reported to affect Ca++ channel function in an in vitro assay (Sato et al. 2013. PubMed ID: 23459219). Exon 15 is a hotspot in the RYR1 gene for pathogenic MH variants. However, the c.1598G>A (p.Arg533His) variant is reported in 0.04% of alleles in individuals of African descent in gnomAD and at PreventionGenetics we have observed this variant in many individuals with no indication of MH related events (internal data). An expert ClinGen panel interprets the c.1598G>A variant as uncertain. Although we suspect this variant could contribute to MHS, at this time, the clinical significance of this variant is uncertain due to the absence of conclusive functional and genetic evidence.

Molecular Genetics, Royal Melbourne Hospital
Classification: Uncertain significance for Malignant hyperthermia, susceptibility to, 1. Last evaluated: 2023-03-30. Review status: criteria provided, single submitter. Criteria: ACMG Guidelines, 2015. Collection method: clinical testing. Allele origin: germline. Affected: yes. Not counted in ClinVar's aggregate classification.
Comment: This sequence change is predicted to replace arginine with histidine at codon 533 of the RYR1 protein (p.(Arg533His)). The arginine residue is very highly conserved (100 vertebrates, UCSC), and located in the IP3 receptor type 1 binding core, domain 2. There is a small physicochemical difference between arginine and histidine. The variant is present in a large population cohort at a frequency of 0.03% (rs144336148, gnomAD v3.1). The variant has been reported in two affected individuals with malignant hyperthermia susceptibility in heterozygous form (PMID: 30236257) and in homozygous form in an individual who was also homozygous for another RYR1 variant (PMID: 16732084). Experimental studies in HEK-293 cells have demonstrated that this missense variant affects calcium channel function in vitro (PMID: 23459219). This missense variant is associated with a positive in vitro contracture test for malignant hyperthermia susceptibility (Royal Melbourne Hospital). Multiple lines of computational evidence have conflicting predictions for the missense substitution (3/6 algorithms predict deleterious). A missense variant at the same codon with a large physicochemical difference, p.(Arg533Cys), is listed as a diagnostic mutation by the European Malignant Hyperthermia Group. The p.(Arg533His) missense variant is listed as a diagnostic mutation by the European Malignant Hyperthermia Group, but as a variant of uncertain significance by ClinGen. Based on the classification guideline RMH Modified ACMG Guidelines v1.3.1, this variant is classified as a VARIANT OF UNCERTAIN SIGNIFICANCE. The following criteria are met: PS3, PP4.

MGZ Medical Genetics Center
Classification: Likely pathogenic for Malignant hyperthermia, susceptibility to, 1. Last evaluated: 2022-06-15. Review status: criteria provided, single submitter. Criteria: ACMG Guidelines, 2015. Collection method: clinical testing. Allele origin: germline. Affected: yes. Observed: 3 variant alleles. Not counted in ClinVar's aggregate classification.
Comment: ACMG criteria applied: PM1, PM5, PS3_SUP, PS4_SUP, PP3

Fulgent Genetics
Classification: Uncertain significance for Central core myopathy; Malignant hyperthermia, susceptibility to, 1; Congenital myopathy 4A, autosomal dominant; Congenital multicore myopathy with external ophthalmoplegia; King Denborough syndrome. Last evaluated: 2022-03-28. Review status: criteria provided, single submitter. Criteria: ACMG Guidelines, 2015. Collection method: clinical testing. Allele origin: unknown. Not counted in ClinVar's aggregate classification.

AiLife Diagnostics
Classification: Likely pathogenic. Last evaluated: 2021-12-16. Review status: criteria provided, single submitter. Criteria: ACMG Guidelines, 2015. Collection method: clinical testing. Allele origin: germline. Affected: yes. Observed: 1 variant allele. Not counted in ClinVar's aggregate classification.

Molecular Diagnostics Laboratory, M Health Fairview: University of Minnesota
Classification: Likely pathogenic for Central core myopathy. Last evaluated: 2019-07-12. Review status: criteria provided, single submitter. Criteria: ACMG Guidelines, 2015. Collection method: clinical testing. Allele origin: germline. Affected: yes. Observed: 1 variant allele. Not counted in ClinVar's aggregate classification.

Eurofins Ntd Llc (ga)
Classification: Uncertain significance. Last evaluated: 2016-06-06. Review status: criteria provided, single submitter. Criteria: EGL Classification Definitions 2015. Collection method: clinical testing. Allele origin: germline. Observed: 3 variant alleles, 3 heterozygotes. Not counted in ClinVar's aggregate classification.

CSER _CC_NCGL, University of Washington
Classification: Uncertain significance for Malignant hyperthermia. Last evaluated: 2014-06-01. Review status: no assertion criteria provided. Collection method: research. Allele origin: germline. Inheritance: Autosomal dominant inheritance. Study: ESP 6500 variant annotation. Not counted in ClinVar's aggregate classification.
Comment: Variants classified for the Actionable exomic incidental findings in 6503 participants: challenges of variant classification manuscript

RYR1 database
No classification provided. Review status: no classification provided. Collection method: not provided. Allele origin: unknown. Not counted in ClinVar's aggregate classification.

Literature cited by the submitters: PubMed 30236257 (cited by 6 submitters); PubMed 16732084 (cited by Women's Health and Genetics/Laboratory Corporation of America, LabCorp and Molecular Genetics, Royal Melbourne Hospital); PubMed 23459219 (cited by 8 submitters); PubMed 35718563 (cited by Women's Health and Genetics/Laboratory Corporation of America, LabCorp and Labcorp Genetics (formerly Invitae), Labcorp); PubMed 10484775 (cited by Labcorp Genetics (formerly Invitae), Labcorp and AiLife Diagnostics); PubMed 25637381 (cited by AiLife Diagnostics); PubMed 24055113 (cited by AiLife Diagnostics and Eurofins Ntd Llc (ga)); PubMed 30499100 (cited by Molecular Diagnostics Laboratory, M Health Fairview: University of Minnesota).